The following is an entry in ClinVar:

ClinVar aggregate classification (germline): Likely benign. Review status: criteria provided, multiple submitters, no conflicts (2 of 4 stars). 8 submissions from 8 submitters: Likely benign (7). 1 of the submissions does not count toward it. Last evaluated 2026-08-01.

Conditions:
Connective tissue disorder. Also called: Connective tissue disease. Identifiers: MedGen C0009782, MONDO:0003900.
Epiphyseal dysplasia, multiple, 2 (EDM2). Also called: COL9A2-Related Multiple Epiphyseal Dysplasia. Identifiers: MedGen C1838429, MONDO:0010844, OMIM 600204.
COL9A2-related disorder. Also called: COL9A2-related condition.

Allele frequency attached by ClinVar (database versions not stated): TOPMed 0.00024; gnomAD 0.00029 and 0.00030; ExAC 0.00032; gnomAD exomes 0.00032 and 0.00039; ESP Exome Variant Server 0.00046.
gnomAD v4.1: 595 of 1,614,024 alleles (0.037%); highest among the groups gnomAD compares: Non-Finnish European, 0.049%; no homozygotes.

Submissions (10):

CeGaT Center for Human Genetics Tuebingen
Classification: Likely benign. Last evaluated: 2026-08-01. Review status: criteria provided, single submitter. Criteria: CeGaT Center For Human Genetics Tuebingen Variant Classification Criteria Version 2. Collection method: clinical testing. Allele origin: germline. Affected: yes. Observed: 1 variant allele.
Comment: COL9A2: BP4, BP7

Labcorp Genetics (formerly Invitae), Labcorp
Classification: Likely benign. Last evaluated: 2026-02-03. Review status: criteria provided, single submitter. Criteria: Invitae Variant Classification Sherloc (09022015). Collection method: clinical testing. Allele origin: germline.

Blueprint Genetics
Classification: Likely benign. Last evaluated: 2024-11-21. Review status: criteria provided, single submitter. Criteria: ACMG Guidelines, 2015. Collection method: clinical testing. Allele origin: germline.

ARUP Laboratories, Molecular Genetics and Genomics, ARUP Laboratories
Classification: Likely benign. Last evaluated: 2023-03-29. Review status: criteria provided, single submitter. Criteria: ARUP Molecular Germline Variant Investigation Process 2024. Collection method: clinical testing. Allele origin: germline.

Genome Diagnostics Laboratory, The Hospital for Sick Children
Classification: Likely benign for Connective tissue disorder. Last evaluated: 2021-04-01. Review status: criteria provided, single submitter. Criteria: ACMG Guidelines, 2015. Collection method: clinical testing. Allele origin: germline.

Illumina Laboratory Services, Illumina
Classification: Likely benign for Epiphyseal dysplasia, multiple, 2. Last evaluated: 2018-01-13. Review status: criteria provided, single submitter. Criteria: ICSL Variant Classification Criteria 13 December 2019. Collection method: clinical testing. Allele origin: germline.
Comment: This variant was observed in the ICSL laboratory as part of a predisposition screen in an ostensibly healthy population. It had not been previously curated by ICSL or reported in the Human Gene Mutation Database (HGMD: prior to June 1st, 2018), and was therefore a candidate for classification through an automated scoring system. Utilizing variant allele frequency, disease prevalence and penetrance estimates, and inheritance mode, an automated score was calculated to assess if this variant is too frequent to cause the disease. Based on the score and internal cut-off values, a variant classified as likely benign is not then subjected to further curation. The score for this variant resulted in a classification of likely benign for this disease.

GeneDx
Classification: Likely benign. Last evaluated: 2017-01-19. Review status: criteria provided, single submitter. Criteria: GeneDx Variant Classification (06012015). Collection method: clinical testing. Allele origin: germline. Affected: yes.
Comment: This variant is considered likely benign or benign based on one or more of the following criteria: it is a conservative change, it occurs at a poorly conserved position in the protein, it is predicted to be benign by multiple in silico algorithms, and/or has population frequency not consistent with disease.

PreventionGenetics, part of Exact Sciences
Classification: Likely benign for COL9A2-related condition. Last evaluated: 2024-03-05. Review status: no assertion criteria provided. Collection method: clinical testing. Allele origin: germline. Not counted in ClinVar's aggregate classification.
Comment: This variant is classified as likely benign based on ACMG/AMP sequence variant interpretation guidelines (Richards et al. 2015 PMID: 25741868, with internal and published modifications).

Dr. Peter K. Rogan Lab, Western University
No classification provided (evidence only). Condition: Clear cell carcinoma of kidney. Review status: no classification provided. Collection method: in vitro. Allele origin: not applicable. Functional consequence: retained intron. Not counted in ClinVar's aggregate classification.

Dr. Peter K. Rogan Lab, Western University
No classification provided (evidence only). Condition: Ovarian serous cystadenocarcinoma. Review status: no classification provided. Collection method: in vitro. Allele origin: not applicable. Functional consequence: retained intron. Not counted in ClinVar's aggregate classification.

NM_001852.4(COL9A2):c.1824A>G (p.Glu608=)

Gene: COL9A2 (collagen type IX alpha 2 chain; minus strand). Cytogenetic location: 1p34.2.
Variant type: single nucleotide variant.
Coding change: c.1824A>G on transcript NM_001852.4 (MANE Select); coding-DNA position 1824, A replaced by G.
Protein change: p.Glu608=; no amino-acid change (glutamic acid 608 retained).
Molecular consequence: synonymous variant.
Genome position (GRCh38, 1-based): chr1:40,301,858, T>C on the plus strand (A>G on the coding strand, the complement: COL9A2 is on the minus strand). VCF-style: chr1-40301858-T-C. GRCh37 (hg19) VCF-style: chr1-40767530-T-C.
Identifiers: ClinVar variation 297292 (VCV000297292.20), dbSNP rs138949427, ClinGen allele CA791318.
Genomic context (GRCh38, chr1:40,301,858, plus strand): 5'-GGCCAATGGCTTACCTGGGATCCCTGGGGGCCCAGGCATCCCGGGGTGCCCCCGTCCCAC[T>C]TCTCCTGGATCACCCTTCTCTCCACGTTTTCCTGTAGACAAAAAAGGAAATCTTCATTTT-3'
Protein context (NP_001843.1, residues 598-618): GKRGEKGDPG[Glu608=]VGRGHPGMPG